The following is an entry in ClinVar:

NM_001267550.2(TTN):c.106712T>C (p.Leu35571Pro)

Genes: TTN (titin; minus strand), TTN-AS1 (TTN antisense RNA 1; plus strand). Cytogenetic location: 2q31.2.
Variant type: single nucleotide variant.
Coding change: c.106712T>C on transcript NM_001267550.2 (MANE Select); coding-DNA position 106712, T replaced by C.
Protein change: p.Leu35571Pro; replaces leucine 35571 with proline.
Molecular consequence: missense variant.
Genome position (GRCh38, 1-based): chr2:178,529,039, A>G on the plus strand (T>C on the coding strand, the complement: TTN is on the minus strand). VCF-style: chr2-178529039-A-G. GRCh37 (hg19) VCF-style: chr2-179393766-A-G.
Other names: c.101789T>C, p.Leu33930Pro (NM_001256850.1); c.79517T>C, p.Leu26506Pro (NM_003319.4); c.99008T>C, p.Leu33003Pro (NM_133378.4); c.79892T>C, p.Leu26631Pro (NM_133432.3); c.80093T>C, p.Leu26698Pro (NM_133437.4); short protein forms L26506P, L26631P, L33003P, L26698P, L33930P, L35571P.
Identifiers: ClinVar variation 2195768 (VCV002195768.4), dbSNP rs1687816400, ClinGen allele CA349403453.

ClinVar aggregate classification (germline): Uncertain significance (1 of 4 stars; one submission).

Conditions:
Dilated cardiomyopathy 1G (CMD1G). Identifiers: Orphanet 154, MedGen C1858763, MONDO:0011400, OMIM 604145.
Autosomal recessive limb-girdle muscular dystrophy type 2J (LGMDR10). Also called: Limb-girdle muscular dystrophy, type 2J; MUSCULAR DYSTROPHY, LIMB-GIRDLE, AUTOSOMAL RECESSIVE 10. Identifiers: Orphanet 140922, MedGen C1837342, MONDO:0012127, OMIM 608807.

Allele frequency attached by ClinVar (database versions not stated): gnomAD exomes below 0.00001.
gnomAD v4.1: 2 of 1,613,994 alleles (0.00012%); highest among the groups gnomAD compares: South Asian, 0.0011%; no homozygotes.

Submission:

Labcorp Genetics (formerly Invitae), Labcorp
Classification: Uncertain significance for Dilated cardiomyopathy 1G; Autosomal recessive limb-girdle muscular dystrophy type 2J. Last evaluated: 2022-05-21. Review status: criteria provided, single submitter. Criteria: Invitae Variant Classification Sherloc (09022015). Collection method: clinical testing. Allele origin: germline.
Comment: In summary, the available evidence is currently insufficient to determine the role of this variant in disease. Therefore, it has been classified as a Variant of Uncertain Significance. This variant is located in the M band of TTN (PMID: 25589632). Variants in this region may be relevant for neuromuscular disorders, but have not been definitively shown to cause cardiomyopathy (PMID: 23975875). Experimental studies and prediction algorithms are not available or were not evaluated, and the functional significance of this variant is currently unknown. This variant has not been reported in the literature in individuals affected with TTN-related conditions. This variant is not present in population databases (gnomAD no frequency). This sequence change replaces leucine, which is neutral and non-polar, with proline, which is neutral and non-polar, at codon 35571 of the TTN protein (p.Leu35571Pro).

Literature cited by the submitters: PubMed 25589632; PubMed 23975875.